The following is an entry in ClinVar:

ClinVar aggregate classification (germline): Conflicting classifications of pathogenicity. Review status: criteria provided, conflicting classifications (1 of 4 stars). 11 submissions from 11 submitters: Uncertain significance (7); Likely benign (3). 1 of the submissions does not count toward it. Last evaluated 2025-10-01.

Conditions:
Hereditary cancer-predisposing syndrome. Also called: Neoplastic Syndromes, Hereditary; Tumor predisposition; Hereditary Cancer Syndrome; Hereditary neoplastic syndrome. Identifiers: Orphanet 140162, MedGen C0027672, MeSH D009386, MONDO:0015356.
Tuberous sclerosis syndrome (TSC). Also called: Tuberous Sclerosis Complex; Tuberous sclerosis. Identifiers: Orphanet 805, MedGen C0041341, MONDO:0001734.
Tuberous sclerosis 2 (TSC2). Identifiers: Orphanet 805, MedGen C1860707, MONDO:0013199, OMIM 613254.

Allele frequency attached by ClinVar (database versions not stated): gnomAD exomes 0.00001; gnomAD 0.00002 and 0.00001; ESP Exome Variant Server 0.00008; 1000 Genomes Project 0.00020; 1000 Genomes Project 30x 0.00031; TOPMed below 0.00001.
gnomAD v4.1: 32 of 1,614,006 alleles (0.002%); highest among the groups gnomAD compares: Admixed American, 0.005%; no homozygotes.

Submissions (11):

Labcorp Genetics (formerly Invitae), Labcorp
Classification: Likely benign for Tuberous sclerosis 2. Last evaluated: 2025-10-01. Review status: criteria provided, single submitter. Criteria: Invitae Variant Classification Sherloc (09022015). Collection method: clinical testing. Allele origin: germline.

Quest Diagnostics Nichols Institute San Juan Capistrano
Classification: Uncertain significance. Last evaluated: 2025-05-28. Review status: criteria provided, single submitter. Criteria: Quest Diagnostics criteria. Collection method: clinical testing. Allele origin: unknown.

All of Us Research Program, National Institutes of Health
Classification: Uncertain significance for Tuberous sclerosis syndrome. Last evaluated: 2024-05-14. Review status: criteria provided, single submitter. Criteria: ACMG Guidelines, 2015. Collection method: clinical testing. Allele origin: germline. Inheritance: Autosomal dominant inheritance. Observed: 4 variant alleles, 4 heterozygotes.
Comment: This missense variant replaces arginine with tryptophan at codon 208 of the TSC2 protein. Computational prediction is inconclusive regarding the impact of this variant on protein structure and function (internally defined REVEL score threshold 0.5 < inconclusive < 0.7, PMID: 27666373). To our knowledge, functional studies have not been reported for this variant. This variant has not been reported in individuals affected with tuberous sclerosis complex in the literature. This variant has been identified in 2/249028 chromosomes in the general population by the Genome Aggregation Database (gnomAD). The available evidence is insufficient to determine the role of this variant in disease conclusively. Therefore, this variant is classified as a Variant of Uncertain Significance.

This study involves interpretation of variants in research participants for the purpose of population health screening. Participant phenotype was not available at the time of variant classification. Additional details can be found in publication PMID: 35346344, PMCID: PMC8962531

Color Diagnostics, LLC DBA Color Health
Classification: Uncertain significance for Tuberous sclerosis syndrome. Last evaluated: 2024-04-18. Review status: criteria provided, single submitter. Criteria: ACMG Guidelines, 2015. Collection method: clinical testing. Allele origin: germline.
Comment: This missense variant replaces arginine with tryptophan at codon 208 of the TSC2 protein. Computational prediction is inconclusive regarding the impact of this variant on protein structure and function. To our knowledge, functional studies have not been reported for this variant. This variant has not been reported in individuals affected with tuberous sclerosis complex in the literature. This variant has been identified in 2/249028 chromosomes in the general population by the Genome Aggregation Database (gnomAD). The available evidence is insufficient to determine the role of this variant in disease conclusively. Therefore, this variant is classified as a Variant of Uncertain Significance.

Clinical Genomics Laboratory, Washington University in St. Louis
Classification: Uncertain significance for Tuberous sclerosis 2. Last evaluated: 2023-09-21. Review status: criteria provided, single submitter. Criteria: ACMG Guidelines, 2015. Collection method: clinical testing. Allele origin: germline.
Comment: The TSC2 c.622C>T (p.Arg208Trp) variant was identified at near heterozygous allelic fraction. To our knowledge, this variant has not been reported in the medical literature and is only observed on 3/152198 alleles in the general population (gnomAD v.3.1.2), indicating it is not a common variant. Computational predictors are uncertain as to the impact of this variant on TSC2 function. Due to limited information, and based on ACMG/AMP guidelines for variant interpretation (Richards S et al., PMID: 25741868), this variant is classified as being of uncertain significance at this time.

Ambry Genetics
Classification: Likely benign for Hereditary cancer-predisposing syndrome. Last evaluated: 2023-01-03. Review status: criteria provided, single submitter. Criteria: Ambry Variant Classification Scheme 2023. Collection method: clinical testing. Allele origin: germline.

Sema4
Classification: Uncertain significance for Hereditary cancer-predisposing syndrome. Last evaluated: 2022-03-17. Review status: criteria provided, single submitter. Criteria: Sema4 Curation Guidelines. Collection method: curation. Allele origin: germline.
Comment: The TSC2 c.622C>T (p.R208W) variant has not been reported in the literature to our knowledge. This variant was observed in 2/249028 chromosomes in the large and broad cohorts of the Genome Aggregation Database (PMID: 32461654). This variant has been reported in ClinVar (Variation ID: 65103). Functional studies have not been performed, and in silico predictions of the variant's effect on protein function are inconclusive. The evidence is insufficient to meet ACMG/AMP criteria for classifying the variant as benign or pathogenic. Thus, the clinical significance of this variant is currently uncertain.

Genome-Nilou Lab
Classification: Likely benign for Tuberous sclerosis 2. Last evaluated: 2021-11-07. Review status: criteria provided, single submitter. Criteria: ACMG Guidelines, 2015. Collection method: clinical testing. Allele origin: germline. Affected: no.

Blueprint Genetics
Classification: Uncertain significance. Last evaluated: 2021-08-20. Review status: criteria provided, single submitter. Criteria: ACMG Guidelines, 2015. Collection method: clinical testing. Allele origin: germline.

GeneDx
Classification: Uncertain significance. Last evaluated: 2020-02-11. Review status: criteria provided, single submitter. Criteria: GeneDx Variant Classification Process June 2021. Collection method: clinical testing. Allele origin: germline. Affected: yes.
Comment: In silico analysis supports that this missense variant has a deleterious effect on protein structure/function; Has not been previously published as pathogenic or benign to our knowledge

Tuberous sclerosis database (TSC2)
No classification provided. Condition: TSC. Review status: no classification provided. Criteria: Tuberous Sclerosis Database Assertion Criteria 2015. Collection method: curation. Allele origin: germline. Affected: yes. Not counted in ClinVar's aggregate classification.

Literature cited by the submitters: PubMed 30548481 (cited by Ambry Genetics).

NM_000548.5(TSC2):c.622C>T (p.Arg208Trp)

Gene: TSC2 (TSC complex subunit 2; plus strand). Cytogenetic location: 16p13.3.
Variant type: single nucleotide variant.
Coding change: c.622C>T on transcript NM_000548.5 (MANE Select); coding-DNA position 622, C replaced by T.
Protein change: p.Arg208Trp; replaces arginine 208 with tryptophan.
Molecular consequence: missense variant.
Genome position (GRCh38, 1-based): chr16:2,056,218, C>T. VCF-style: chr16-2056218-C-T. GRCh37 (hg19) VCF-style: chr16-2106219-C-T.
Other names: c.622C>T, p.Arg208Trp (NM_001077183.3, NM_001114382.3, NM_001363528.2 and 3 more transcripts); c.511C>T, p.Arg171Trp (NM_001318827.2); c.475C>T, p.Arg159Trp (NM_001318829.2); c.22C>T, p.Arg8Trp (NM_001318831.2); c.655C>T, p.Arg219Trp (NM_001318832.2); short protein forms R208W, R159W, R219W, R8W, R171W.
Identifiers: ClinVar variation 65103 (VCV000065103.25), dbSNP rs374410454, ClinGen allele CA022695.